The following is an entry in ClinVar:

ClinVar aggregate classification (germline): Uncertain significance. Review status: criteria provided, multiple submitters, no conflicts (2 of 4 stars). 3 submissions from 3 submitters: Uncertain significance (2). 1 of the submissions does not count toward it. Last evaluated 2022-12-09.

Conditions:
EP300-related disorder. Also called: EP300-related disorders; EP300-related condition.

Allele frequency attached by ClinVar (database versions not stated): TOPMed 0.00001; gnomAD exomes 0.00002; ExAC 0.00002.
gnomAD v4.1: 24 of 1,610,970 alleles (0.0015%); highest among the groups gnomAD compares: East Asian, 0.0045%; no homozygotes.

Submissions (3):

GeneDx
Classification: Uncertain significance. Last evaluated: 2022-12-09. Review status: criteria provided, single submitter. Criteria: GeneDx Variant Classification Process June 2021. Collection method: clinical testing. Allele origin: germline. Affected: yes.
Comment: In silico analysis supports that this missense variant does not alter protein structure/function; Has not been previously published as pathogenic or benign to our knowledge

Eurofins Ntd Llc (ga)
Classification: Uncertain significance. Last evaluated: 2017-11-02. Review status: criteria provided, single submitter. Criteria: EGL Classification Definitions 2015. Collection method: clinical testing. Allele origin: germline. Observed: 1 variant allele, 1 heterozygote.

PreventionGenetics, part of Exact Sciences
Classification: Uncertain significance for EP300-related condition. Last evaluated: 2024-08-19. Review status: no assertion criteria provided. Collection method: clinical testing. Allele origin: germline. Not counted in ClinVar's aggregate classification.
Comment: The EP300 c.2252A>G variant is predicted to result in the amino acid substitution p.Tyr751Cys. To our knowledge, this variant has not been reported in the literature. This variant is reported in 0.0058% of alleles in individuals of Latino descent in gnomAD. At this time, the clinical significance of this variant is uncertain due to the absence of conclusive functional and genetic evidence.

NM_001429.4(EP300):c.2252A>G (p.Tyr751Cys)

Gene: EP300 (E1A binding protein p300; plus strand). Cytogenetic location: 22q13.2.
Variant type: single nucleotide variant.
Coding change: c.2252A>G on transcript NM_001429.4 (MANE Select); coding-DNA position 2252, A replaced by G.
Protein change: p.Tyr751Cys; replaces tyrosine 751 with cysteine.
Molecular consequence: missense variant.
Genome position (GRCh38, 1-based): chr22:41,149,048, A>G. VCF-style: chr22-41149048-A-G. GRCh37 (hg19) VCF-style: chr22-41545052-A-G.
Other names: c.2174A>G, p.Tyr725Cys (NM_001362843.2); c.2252A>G (NM_001429.3); short protein forms Y751C, Y725C.
Identifiers: ClinVar variation 594610 (VCV000594610.7), dbSNP rs755815528, ClinGen allele CA10252822.